The following is an entry in ClinVar:

NM_000256.3(MYBPC3):c.655-2del

Gene: MYBPC3 (myosin binding protein C3; minus strand). Cytogenetic location: 11p11.2.
Variant type: Deletion.
Coding change: c.655-2del on transcript NM_000256.3 (MANE Select); the canonical splice acceptor site of the intron before coding-DNA position 655, one base deleted (A; older notation c.655-2delA).
Molecular consequence: splice acceptor variant.
Genome position (GRCh38, 1-based): chr11:47,348,543, T deleted on the plus strand (A on the coding strand, the reverse complement: MYBPC3 is on the minus strand). VCF-style (leftmost placement, unchanged base first): chr11-47348542-CT-C. GRCh37 (hg19) VCF-style: chr11-47370093-CT-C.
Identifiers: ClinVar variation 4856612 (VCV004856612.1).

ClinVar aggregate classification (germline): Pathogenic (1 of 4 stars; one submission).

Conditions:
Hypertrophic cardiomyopathy 4. Also called: Familial hypertrophic cardiomyopathy 4. Identifiers: MedGen C1861862, MONDO:0007268, OMIM 115197.

Submission:

Molecular Genetics Laboratory, Motol Hospital
Classification: Pathogenic for Hypertrophic cardiomyopathy 4. Last evaluated: 2026-06-04. Review status: criteria provided, single submitter. Criteria: ACMG Guidelines, 2015. Collection method: clinical testing. Allele origin: germline. Affected: yes. Observed: 1 variant allele.
Comment: A rare variant not present in non-Finnish European population (PM2). The variant alters the canonical acceptor splice site in the intron 5 of the MYBPC3. Rare truncating and splice-site altering variants in the MYBPC3 gene are associated with autosomal dominant familial hypertrophic cardiomyopathy (PVS1). In silico prediction tool SpliceAI predicts the deleterious effect on splicing. The variant is classified as pathogenic.

Literature cited by the submitters: PubMed 37445689; PubMed 30674652; PubMed 32396390; PubMed 27834932.